The following is an entry in ClinVar:

ClinVar aggregate classification (germline): Likely benign (0 of 4 stars; one submission).

Conditions:
EIF2A-related disorder. Also called: EIF2A-related condition.

Allele frequency attached by ClinVar (database versions not stated): 1000 Genomes Project 0.00020; 1000 Genomes Project 30x 0.00047; ESP Exome Variant Server 0.00068; ExAC 0.00077; TOPMed 0.00096; gnomAD 0.00133.
gnomAD v4.1: 2,451 of 1,597,644 alleles (0.15%); highest among the groups gnomAD compares: Non-Finnish European, 0.18%; 1 homozygote.

Submission:

PreventionGenetics, part of Exact Sciences
Classification: Likely benign for EIF2A-related condition. Last evaluated: 2023-03-10. Review status: no assertion criteria provided. Collection method: clinical testing. Allele origin: germline.
Comment: This variant is classified as likely benign based on ACMG/AMP sequence variant interpretation guidelines (Richards et al. 2015 PMID: 25741868, with internal and published modifications).

NM_032025.5(EIF2A):c.824C>A (p.Pro275His)

Gene: EIF2A (eukaryotic translation initiation factor 2A; plus strand). Cytogenetic location: 3q25.1.
Variant type: single nucleotide variant.
Coding change: c.824C>A on transcript NM_032025.5 (MANE Select); coding-DNA position 824, C replaced by A.
Protein change: p.Pro275His; replaces proline 275 with histidine.
Molecular consequence: missense variant.
Genome position (GRCh38, 1-based): chr3:150,571,970, C>A. VCF-style: chr3-150571970-C-A. GRCh37 (hg19) VCF-style: chr3-150289757-C-A.
Other names: c.749C>A, p.Pro250His (NM_001319043.2); c.641C>A, p.Pro214His (NM_001319044.2); c.809C>A, p.Pro270His (NM_001319045.2); c.182C>A, p.Pro61His (NM_001319046.2); short protein forms P214H, P250H, P270H, P275H, P61H.
Identifiers: ClinVar variation 3052231 (VCV003052231.2), dbSNP rs199994540, ClinGen allele CA2664556.